The following is an entry in ClinVar:

NC_012920.1(MT-CO1):m.6719T>C

Gene: MT-CO1 (mitochondrially encoded cytochrome c oxidase I; plus strand).
Variant type: single nucleotide variant.
Genome position: chrM-6719-T-C.
Identifiers: ClinVar variation 235489 (VCV000235489.3), dbSNP rs28358872, ClinGen allele CA10581329.
Genomic context (GRCh38, chrMT:6,719, plus strand): 5'-AATAATCTCCCATATTGTAACTTACTACTCCGGAAAAAAAGAACCATTTGGATACATAGG[T>C]ATGGTCTGAGCTATGATATCAATTGGCTTCCTAGGGTTTATCGTGTGAGCACACCATATA-3'

ClinVar aggregate classification (germline): Likely benign (1 of 4 stars; one submission).

Submission:

Center for Pediatric Genomic Medicine, Children's Mercy Hospital and Clinics
Classification: Likely benign. Last evaluated: 2015-06-02. Review status: criteria provided, single submitter. Criteria: ACMG Guidelines, 2015. Collection method: clinical testing. Allele origin: germline.
ClinVar note: Converted during submission from Likely Benign to Likely benign.